The following is an entry in ClinVar:

NM_206933.4(USH2A):c.14850C>A (p.Asn4950Lys)

Gene: USH2A (usherin; minus strand). Cytogenetic location: 1q41.
Variant type: single nucleotide variant.
Coding change: c.14850C>A on transcript NM_206933.4 (MANE Select); coding-DNA position 14850, C replaced by A.
Protein change: p.Asn4950Lys; replaces asparagine 4950 with lysine.
Molecular consequence: missense variant.
Genome position (GRCh38, 1-based): chr1:215,640,676, G>T on the plus strand (C>A on the coding strand, the complement: USH2A is on the minus strand). VCF-style: chr1-215640676-G-T. GRCh37 (hg19) VCF-style: chr1-215814018-G-T.
Other names: short protein forms N4950K.
Identifiers: ClinVar variation 4800020 (VCV004800020.1).

ClinVar aggregate classification (germline): Uncertain significance (1 of 4 stars; one submission).

gnomAD v4.1: 1 of 1,613,926 alleles (0.000062%); no homozygotes.

Submission:

Labcorp Genetics (formerly Invitae), Labcorp
Classification: Uncertain significance. Last evaluated: 2025-06-17. Review status: criteria provided, single submitter. Criteria: Invitae Variant Classification Sherloc (09022015). Collection method: clinical testing. Allele origin: germline.
Comment: This sequence change replaces asparagine, which is neutral and polar, with lysine, which is basic and polar, at codon 4950 of the USH2A protein (p.Asn4950Lys). This variant is present in population databases (no rsID available, gnomAD 0.004%). This variant has not been reported in the literature in individuals affected with USH2A-related conditions. Invitae Evidence Modeling of protein sequence and biophysical properties (such as structural, functional, and spatial information, amino acid conservation, physicochemical variation, residue mobility, and thermodynamic stability) indicates that this missense variant is not expected to disrupt USH2A protein function with a negative predictive value of 95%. In summary, the available evidence is currently insufficient to determine the role of this variant in disease. Therefore, it has been classified as a Variant of Uncertain Significance.